The following is an entry in ClinVar:

ClinVar aggregate classification (germline): Uncertain significance (1 of 4 stars; one submission).

Conditions:
Inborn genetic diseases. Identifiers: MedGen C0950123, MeSH D030342.

Submission:

Ambry Genetics
Classification: Uncertain significance for Inborn genetic diseases. Last evaluated: 2025-06-08. Review status: criteria provided, single submitter. Criteria: Ambry Variant Classification Scheme 2023. Collection method: clinical testing. Allele origin: germline.
Comment: The p.S692P variant (also known as c.2074T>C), located in coding exon 14 of the ERCC6L2 gene, results from a T to C substitution at nucleotide position 2074. The serine at codon 692 is replaced by proline, an amino acid with similar properties. This amino acid position is conserved. In addition, the in silico prediction for this alteration is inconclusive. Based on the available evidence, the clinical significance of this variant remains unclear.

NM_020207.7(ERCC6L2):c.2074T>C (p.Ser692Pro)

Gene: ERCC6L2 (ERCC excision repair 6 like 2; plus strand). Cytogenetic location: 9q22.32.
Variant type: single nucleotide variant.
Coding change: c.2074T>C on transcript NM_020207.7 (MANE Select); coding-DNA position 2074, T replaced by C.
Protein change: p.Ser692Pro; replaces serine 692 with proline.
Molecular consequence: missense variant. On other transcripts: non-coding transcript variant (1).
Genome position (GRCh38, 1-based): chr9:95,966,688, T>C. VCF-style: chr9-95966688-T-C. GRCh37 (hg19) VCF-style: chr9-98728970-T-C.
Other names: c.2074T>C, p.Ser692Pro (NM_001010895.4, NM_001375291.1, NM_001375292.1 and 2 more transcripts); short protein forms S692P.
Identifiers: ClinVar variation 4019401 (VCV004019401.1).